The following is an entry in ClinVar:

ClinVar aggregate classification (germline): Uncertain significance (1 of 4 stars; one submission).

Conditions:
Usher syndrome type 3B. Also called: USHER SYNDROME, TYPE IIIB. Identifiers: MedGen C3281066, MONDO:0013788, OMIM 614504.

Allele frequency attached by ClinVar (database versions not stated): gnomAD exomes below 0.00001; TOPMed below 0.00001.
gnomAD v4.1: 3 of 1,612,350 alleles (0.00019%); highest among the groups gnomAD compares: Non-Finnish European, 0.00025%; no homozygotes.

Submission:

Labcorp Genetics (formerly Invitae), Labcorp
Classification: Uncertain significance for Usher syndrome type 3B. Last evaluated: 2020-01-31. Review status: criteria provided, single submitter. Criteria: Invitae Variant Classification Sherloc (09022015). Collection method: clinical testing. Allele origin: germline.
Comment: This variant has not been reported in the literature in individuals with HARS-related conditions. Algorithms developed to predict the effect of missense changes on protein structure and function (SIFT, PolyPhen-2, Align-GVGD) all suggest that this variant is likely to be tolerated, but these predictions have not been confirmed by published functional studies and their clinical significance is uncertain. Algorithms developed to predict the effect of sequence changes on RNA splicing suggest that this variant may create or strengthen a splice site, but this prediction has not been confirmed by published transcriptional studies. In summary, the available evidence is currently insufficient to determine the role of this variant in disease. Therefore, it has been classified as a Variant of Uncertain Significance. This sequence change replaces lysine with arginine at codon 230 of the HARS protein (p.Lys230Arg). The lysine residue is moderately conserved and there is a small physicochemical difference between lysine and arginine. This variant is not present in population databases (ExAC no frequency).

NM_002109.6(HARS1):c.689A>G (p.Lys230Arg)

Gene: HARS1 (histidyl-tRNA synthetase 1; minus strand). Cytogenetic location: 5q31.3.
Variant type: single nucleotide variant.
Coding change: c.689A>G on transcript NM_002109.6 (MANE Select); coding-DNA position 689, A replaced by G.
Protein change: p.Lys230Arg; replaces lysine 230 with arginine.
Molecular consequence: missense variant.
Genome position (GRCh38, 1-based): chr5:140,677,695, T>C on the plus strand (A>G on the coding strand, the complement: HARS1 is on the minus strand). VCF-style: chr5-140677695-T-C. GRCh37 (hg19) VCF-style: chr5-140057280-T-C.
Other names: c.569A>G, p.Lys190Arg (NM_001258040.3); c.629A>G, p.Lys210Arg (NM_001258041.3); c.509A>G, p.Lys170Arg (NM_001258042.3); c.467A>G, p.Lys156Arg (NM_001289092.2); c.347A>G, p.Lys116Arg (NM_001289093.2); c.602A>G, p.Lys201Arg (NM_001289094.2); short protein forms K116R, K156R, K170R, K190R, K201R, K210R, K230R.
Identifiers: ClinVar variation 1020755 (VCV001020755.9), dbSNP rs1416014791, ClinGen allele CA361254800.
Genomic context (GRCh38, chr5:140,677,695, plus strand): 5'-TCAAGTACTTGGGTTGTTACCTTGTCCAGCTTGTCTACTGAGGAGCAGATGGTACGGAAC[T>C]TGCTGTCAGAAACACCACAGATAGCAAACATCCCATCTAGAATGCGTCGATCGTTTACCT-3'
Protein context (NP_002100.2, residues 220-240): MFAICGVSDS[Lys230Arg]FRTICSSVDK